The following is an entry in ClinVar:

ClinVar aggregate classification (germline): Uncertain significance (1 of 4 stars; one submission).

Allele frequency attached by ClinVar (database versions not stated): ExAC 0.00001; TOPMed 0.00005.
gnomAD v4.1: 4 of 1,614,030 alleles (0.00025%); highest among the groups gnomAD compares: African/African-American, 0.004%; no homozygotes.

Submission:

Labcorp Genetics (formerly Invitae), Labcorp
Classification: Uncertain significance. Last evaluated: 2021-06-17. Review status: criteria provided, single submitter. Criteria: Invitae Variant Classification Sherloc (09022015). Collection method: clinical testing. Allele origin: germline.
Comment: This sequence change replaces serine with asparagine at codon 58 of the PDE6A protein (p.Ser58Asn). The serine residue is highly conserved and there is a small physicochemical difference between serine and asparagine. This variant is present in population databases (rs769487994, ExAC 0.01%). This variant has not been reported in the literature in individuals with PDE6A-related conditions. Algorithms developed to predict the effect of missense changes on protein structure and function are either unavailable or do not agree on the potential impact of this missense change (SIFT: "Deleterious"; PolyPhen-2: "Possibly Damaging"; Align-GVGD: "Class C0"). In summary, the available evidence is currently insufficient to determine the role of this variant in disease. Therefore, it has been classified as a Variant of Uncertain Significance.

NM_000440.3(PDE6A):c.173G>A (p.Ser58Asn)

Gene: PDE6A (phosphodiesterase 6A; minus strand). Cytogenetic location: 5q32.
Variant type: single nucleotide variant.
Coding change: c.173G>A on transcript NM_000440.3 (MANE Select); coding-DNA position 173, G replaced by A.
Protein change: p.Ser58Asn; replaces serine 58 with asparagine.
Molecular consequence: missense variant.
Genome position (GRCh38, 1-based): chr5:149,944,501, C>T on the plus strand (G>A on the coding strand, the complement: PDE6A is on the minus strand). VCF-style: chr5-149944501-C-T. GRCh37 (hg19) VCF-style: chr5-149324064-C-T.
Other names: short protein forms S58N.
Identifiers: ClinVar variation 968976 (VCV000968976.9), dbSNP rs769487994, ClinGen allele CA3505126.
Genomic context (GRCh38, chr5:149,944,501, plus strand): 5'-ATGCATTTCTCTGTCTGTAAATTCTCCTGAAAGTCCCGCAGGAGATCAAAGATGATTTCG[C>T]TCTCCTCCATGCTGCTCGGGGAGTGGTAGTTGCTGAAGTCCACGGCAGCCTCCTTGGCCC-3'
Protein context (NP_000431.2, residues 48-68): NYHSPSSMEE[Ser58Asn]EIIFDLLRDF